The following is an entry in ClinVar:

NM_001267550.2(TTN):c.98856CAC[2] (p.Thr32955del)

Genes: TTN (titin; minus strand), TTN-AS1 (TTN antisense RNA 1; plus strand). Cytogenetic location: 2q31.2.
Variant type: Microsatellite.
Coding change: c.98856CAC[2] on transcript NM_001267550.2 (MANE Select); two copies in a row of the 3-base unit CAC starting at c.98856; the reference has three copies in a row; one copy, 3 bases deleted.
Protein change: p.Thr32955del; deletes threonine 32955.
Molecular consequence: inframe deletion. On other transcripts: non-coding transcript variant (1).
Genome position (GRCh38, 1-based): chr2:178,539,071-178,539,073, GTG deleted on the plus strand (CAC on the coding strand, the reverse complement: TTN is on the minus strand); deleting any 3 consecutive bases within chr2:178,539,071-178,539,079 gives the same sequence; the position shown is the placement nearest the transcript's 3' end. VCF-style (leftmost placement, unchanged base first): chr2-178539070-TGTG-T. GRCh37 (hg19) VCF-style: chr2-179403797-TGTG-T.
Other names: c.71667_71669delCAC (NM_003319.4); c.93933CAC[2], p.Thr31314del (NM_001256850.1); c.71661CAC[2], p.Thr23890del (NM_003319.4); c.91152CAC[2], p.Thr30387del (NM_133378.4); c.72036CAC[2], p.Thr24015del (NM_133432.3); c.72237CAC[2], p.Thr24082del (NM_133437.4); c.91158_91160delCAC (NM_133378.4); short protein forms T23890del, T24015del, T24082del, T30387del, T31314del, T32955del.
Identifiers: ClinVar variation 2651583 (VCV002651583.26), dbSNP rs1461053159, ClinGen allele CA761282281.

ClinVar aggregate classification (germline): Uncertain significance. Review status: criteria provided, multiple submitters, no conflicts (2 of 4 stars). 3 submissions from 3 submitters: Uncertain significance (3). Last evaluated 2026-02-24.

Conditions:
Cardiovascular phenotype. Identifiers: MedGen CN230736.

Submissions (3):

Women's Health and Genetics/Laboratory Corporation of America, LabCorp
Classification: Uncertain significance. Last evaluated: 2026-02-24. Review status: criteria provided, single submitter. Criteria: LabCorp Variant Classification Summary - May 2015. Collection method: clinical testing. Allele origin: germline.
Comment: Variant summary: TTN c.91158_91160delCAC (p.Thr30387del) results in an in-frame deletion that is predicted to remove one amino acids from the encoded protein. The variant was absent in 248774 control chromosomes. The available data on variant occurrences in the general population are insufficient to allow any conclusion about variant significance. To our knowledge, no occurrence of c.91158_91160delCAC in individuals affected with TTN-related conditions and no experimental evidence demonstrating its impact on protein function have been reported. ClinVar contains an entry for this variant (Variation ID: 2651583). Based on the evidence outlined above, the variant was classified as uncertain significance.

Ambry Genetics
Classification: Uncertain significance for Cardiovascular phenotype. Last evaluated: 2024-03-20. Review status: criteria provided, single submitter. Criteria: Ambry Variant Classification Scheme 2023. Collection method: clinical testing. Allele origin: germline.
Comment: The c.71667_71669delCAC variant (also known as p.T23890del) is located in coding exon 180 of the TTN gene. This variant results from an in-frame CAC deletion at nucleotide positions 71667 to 71669. This results in the in-frame deletion of a threonine at codon 23890. The deleted amino acid position is highly conserved in available vertebrate species. In addition, this alteration is predicted to be deleterious by in silico analysis (Choi Y et al. PLoS ONE. 2012; 7(10):e46688). Based on the available evidence, the clinical significance of this alteration remains unclear.

CeGaT Center for Human Genetics Tuebingen
Classification: Uncertain significance. Last evaluated: 2023-09-01. Review status: criteria provided, single submitter. Criteria: CeGaT Center For Human Genetics Tuebingen Variant Classification Criteria Version 2. Collection method: clinical testing. Allele origin: germline. Affected: yes. Observed: 1 variant allele.
Comment: TTN: PM2, PM4:Supporting